The following is an entry in ClinVar:

ClinVar aggregate classification (germline): Uncertain significance (1 of 4 stars; one submission).

Conditions:
Cardiovascular phenotype. Identifiers: MedGen CN230736.

gnomAD v4.1: 3 of 1,613,884 alleles (0.00019%); highest among the groups gnomAD compares: Non-Finnish European, 0.00025%; no homozygotes.

Submission:

Ambry Genetics
Classification: Uncertain significance for Cardiovascular phenotype. Last evaluated: 2025-09-17. Review status: criteria provided, single submitter. Criteria: Ambry Variant Classification Scheme 2023. Collection method: clinical testing. Allele origin: germline.
Comment: The p.K2127R variant (also known as c.6380A>G), located in coding exon 39 of the FLNC gene, results from an A to G substitution at nucleotide position 6380. The lysine at codon 2127 is replaced by arginine, an amino acid with highly similar properties. This amino acid position is conserved. In addition, the in silico prediction for this alteration is inconclusive. Based on the available evidence, the clinical significance of this variant remains unclear.

NM_001458.5(FLNC):c.6380A>G (p.Lys2127Arg)

Genes: FLNC (filamin C; plus strand), FLNC-AS1 (FLNC antisense RNA 1; minus strand). Cytogenetic location: 7q32.1.
Variant type: single nucleotide variant.
Coding change: c.6380A>G on transcript NM_001458.5 (MANE Select); coding-DNA position 6380, A replaced by G.
Protein change: p.Lys2127Arg; replaces lysine 2127 with arginine.
Molecular consequence: missense variant.
Genome position (GRCh38, 1-based): chr7:128,853,733, A>G. VCF-style: chr7-128853733-A-G. GRCh37 (hg19) VCF-style: chr7-128493787-A-G.
Other names: c.6281A>G, p.Lys2094Arg (NM_001127487.2); short protein forms K2094R, K2127R.
Identifiers: ClinVar variation 4614184 (VCV004614184.1).